The following is an entry in ClinVar:

NC_000013.11:g.76992003C>A

Gene: CLN5 (CLN5 lysosomal BMP synthase; plus strand). Cytogenetic location: 13q22.3.
Variant type: single nucleotide variant.
Molecular consequence: missense variant (on NM_006493.2).
Genome position: GRCh38 VCF-style: chr13-76992003-C-A. GRCh37 (hg19) VCF-style: chr13-77566138-C-A.
Other names: p.Q18K:CAA>AAA; c.52C>A, p.Gln18Lys (NM_006493.2).
Identifiers: ClinVar variation 205136 (VCV000205136.9), dbSNP rs773979248, ClinGen allele CA313894.

ClinVar aggregate classification (germline): Uncertain significance. Review status: criteria provided, multiple submitters, no conflicts (2 of 4 stars). 4 submissions from 4 submitters: Uncertain significance (4). Last evaluated 2022-06-03.

Conditions:
Inborn genetic diseases. Identifiers: MedGen C0950123, MeSH D030342.
Neuronal ceroid lipofuscinosis. Also called: Neuronal Ceroid Lipofuscinoses. Identifiers: Orphanet 216, Orphanet 79263, MedGen C0027877, MONDO:0016295. Disease mechanism: loss of function.
Neuronal ceroid lipofuscinosis 5 (CLN5). Also called: CEROID LIPOFUSCINOSIS, NEURONAL, 5, VARIABLE AGE AT ONSET; Neuronal ceroid lipofuscinosis Finnish variant; NEURONAL CEROID LIPOFUSCINOSIS, LATE INFANTILE, FINNISH VARIANT; CLN5-Related Neuronal Ceroid-Lipofuscinosis. Identifiers: Orphanet 168491, Orphanet 228360, MedGen C1850442, MONDO:0009745, OMIM 256731.

Submissions (4):

Ambry Genetics
Classification: Uncertain significance for Inborn genetic diseases. Last evaluated: 2022-06-03. Review status: criteria provided, single submitter. Criteria: Ambry Variant Classification Scheme 2023. Collection method: clinical testing. Allele origin: germline.

Labcorp Genetics (formerly Invitae), Labcorp
Classification: Uncertain significance for Neuronal ceroid lipofuscinosis. Last evaluated: 2022-03-09. Review status: criteria provided, single submitter. Criteria: Invitae Variant Classification Sherloc (09022015). Collection method: clinical testing. Allele origin: germline.
Comment: This sequence change replaces glutamine, which is neutral and polar, with lysine, which is basic and polar, at codon 18 of the CLN5 protein (p.Gln18Lys). The frequency data for this variant in the population databases is considered unreliable, as metrics indicate poor data quality at this position in the gnomAD database. This variant has not been reported in the literature in individuals affected with CLN5-related conditions. ClinVar contains an entry for this variant (Variation ID: 205136). Algorithms developed to predict the effect of missense changes on protein structure and function are either unavailable or do not agree on the potential impact of this missense change (SIFT: "Deleterious"; PolyPhen-2: "Benign"; Align-GVGD: "Class C0"). In summary, the available evidence is currently insufficient to determine the role of this variant in disease. Therefore, it has been classified as a Variant of Uncertain Significance.

Genome-Nilou Lab
Classification: Uncertain significance for Neuronal ceroid lipofuscinosis 5. Last evaluated: 2021-09-05. Review status: criteria provided, single submitter. Criteria: ACMG Guidelines, 2015. Collection method: clinical testing. Allele origin: germline. Affected: no.

GeneDx
Classification: Uncertain significance. Last evaluated: 2014-01-10. Review status: criteria provided, single submitter. Criteria: GeneDx Variant Classification (06012015). Collection method: clinical testing. Allele origin: germline. Affected: yes.
Comment: p.Gln18Lys (CAA>AAA): c.52 C>A in exon 1 of the CLN5 gene (NM_006493.2) The Gln18Lys missense change in the CLN5 gene has not been published as a mutation, nor has it been reported as a benign polymorphism to our knowledge. This variant is a non-conservative amino acid substitution of an uncharged Glutamine residue with a positively charged Lysine residue. However, the variant alters a position that is not conserved across species, and in silico analysis predicts this variant likely has a benign effect on the protein structure/function. Therefore, based on the currently available information, it is unclear whether Gln18Lys is a disease-causing mutation or a rare benign variant. The variant is found in INFANT-EPI panel(s).